The following is an entry in ClinVar:

NM_000173.7(GP1BA):c.1233A>C (p.Pro411=)

Gene: GP1BA (glycoprotein Ib platelet subunit alpha; plus strand). Cytogenetic location: 17p13.2.
Variant type: single nucleotide variant.
Coding change: c.1233A>C on transcript NM_000173.7 (MANE Select); coding-DNA position 1233, A replaced by C.
Protein change: p.Pro411=; no amino-acid change (proline 411 retained).
Molecular consequence: synonymous variant.
Genome position (GRCh38, 1-based): chr17:4,933,837, A>C. VCF-style: chr17-4933837-A-C. GRCh37 (hg19) VCF-style: chr17-4837132-A-C.
Identifiers: ClinVar variation 3058327 (VCV003058327.2), dbSNP rs12940222, ClinGen allele CA497677805.
Genomic context (GRCh38, chr17:4,933,837, plus strand): 5'-CGTCCCGGAGCCCGCCCCAAACATGACCACCCTGGAGCCCACTCCAAGCCCGACCACCCC[A>C]GAGCCCACCTCAGAGCCCGCCCCCAGCCCGACCACCCCGGAGCCCACCTCAGAGCCCGCC-3'
Protein context (NP_000164.5, residues 401-421): TLEPTPSPTT[Pro411=]EPTSEPAPSP

ClinVar aggregate classification (germline): Likely benign (0 of 4 stars; one submission).

Conditions:
GP1BA-related disorder. Also called: GP1BA-related condition.

Submission:

PreventionGenetics, part of Exact Sciences
Classification: Likely benign for GP1BA-related condition. Last evaluated: 2023-11-03. Review status: no assertion criteria provided. Collection method: clinical testing. Allele origin: germline.
Comment: This variant is classified as likely benign based on ACMG/AMP sequence variant interpretation guidelines (Richards et al. 2015 PMID: 25741868, with internal and published modifications).